The following is an entry in ClinVar:

ClinVar aggregate classification (germline): Uncertain significance. Review status: criteria provided, multiple submitters, no conflicts (2 of 4 stars). 2 submissions from 2 submitters: Uncertain significance (2). Last evaluated 2025-05-28.

Conditions:
Inborn genetic diseases. Identifiers: MedGen C0950123, MeSH D030342.

Allele frequency attached by ClinVar (database versions not stated): gnomAD 0.00019; gnomAD exomes 0.00001 and 0.00004; TOPMed 0.00021; 1000 Genomes Project 30x 0.00016; ESP Exome Variant Server 0.00008; ExAC 0.00012.

Submissions (2):

Ambry Genetics
Classification: Uncertain significance for Inborn genetic diseases. Last evaluated: 2025-05-28. Review status: criteria provided, single submitter. Criteria: Ambry Variant Classification Scheme 2023. Collection method: clinical testing. Allele origin: germline.

Labcorp Genetics (formerly Invitae), Labcorp
Classification: Uncertain significance. Last evaluated: 2024-12-19. Review status: criteria provided, single submitter. Criteria: Invitae Variant Classification Sherloc (09022015). Collection method: clinical testing. Allele origin: germline.
Comment: This sequence change replaces alanine, which is neutral and non-polar, with threonine, which is neutral and polar, at codon 1882 of the OBSL1 protein (p.Ala1882Thr). This variant is present in population databases (rs368898845, gnomAD 0.06%). This variant has not been reported in the literature in individuals affected with OBSL1-related conditions. ClinVar contains an entry for this variant (Variation ID: 1046550). An algorithm developed to predict the effect of missense changes on protein structure and function (PolyPhen-2) suggests that this variant is likely to be disruptive. In summary, the available evidence is currently insufficient to determine the role of this variant in disease. Therefore, it has been classified as a Variant of Uncertain Significance.

NM_015311.3(OBSL1):c.5644G>A (p.Ala1882Thr)

Gene: OBSL1 (obscurin like cytoskeletal adaptor 1; minus strand). Cytogenetic location: 2q35.
Variant type: single nucleotide variant.
Coding change: c.5644G>A on transcript NM_015311.3 (MANE Select); coding-DNA position 5644, G replaced by A.
Protein change: p.Ala1882Thr; replaces alanine 1882 with threonine.
Molecular consequence: missense variant.
Genome position (GRCh38, 1-based): chr2:219,551,568, C>T on the plus strand (G>A on the coding strand, the complement: OBSL1 is on the minus strand). VCF-style: chr2-219551568-C-T. GRCh37 (hg19) VCF-style: chr2-220416290-C-T.
Other names: c.5644G>A (NM_015311.2); short protein forms A1882T.
Identifiers: ClinVar variation 1046550 (VCV001046550.8), dbSNP rs368898845, ClinGen allele CA2130170.